The following is an entry in ClinVar:

ClinVar aggregate classification (germline): Uncertain significance (1 of 4 stars; one submission).

Allele frequency attached by ClinVar (database versions not stated): TOPMed below 0.00001.
gnomAD v4.1: 5 of 1,611,892 alleles (0.00031%); highest among the groups gnomAD compares: Admixed American, 0.0033%; no homozygotes.

Submission:

Labcorp Genetics (formerly Invitae), Labcorp
Classification: Uncertain significance. Last evaluated: 2024-10-22. Review status: criteria provided, single submitter. Criteria: Invitae Variant Classification Sherloc (09022015). Collection method: clinical testing. Allele origin: germline.
Comment: This sequence change replaces threonine, which is neutral and polar, with serine, which is neutral and polar, at codon 2632 of the ADGRV1 protein (p.Thr2632Ser). This variant is present in population databases (rs772597223, gnomAD 0.003%). This variant has not been reported in the literature in individuals affected with ADGRV1-related conditions. ClinVar contains an entry for this variant (Variation ID: 1478299). Invitae Evidence Modeling of protein sequence and biophysical properties (such as structural, functional, and spatial information, amino acid conservation, physicochemical variation, residue mobility, and thermodynamic stability) indicates that this missense variant is not expected to disrupt ADGRV1 protein function with a negative predictive value of 95%. In summary, the available evidence is currently insufficient to determine the role of this variant in disease. Therefore, it has been classified as a Variant of Uncertain Significance.

NM_032119.4(ADGRV1):c.7895C>G (p.Thr2632Ser)

Gene: ADGRV1 (adhesion G protein-coupled receptor V1; plus strand). Cytogenetic location: 5q14.3.
Variant type: single nucleotide variant.
Coding change: c.7895C>G on transcript NM_032119.4 (MANE Select); coding-DNA position 7895, C replaced by G.
Protein change: p.Thr2632Ser; replaces threonine 2632 with serine.
Molecular consequence: missense variant. On other transcripts: non-coding transcript variant (1).
Genome position (GRCh38, 1-based): chr5:90,694,651, C>G. VCF-style: chr5-90694651-C-G. GRCh37 (hg19) VCF-style: chr5-89990468-C-G.
Other names: short protein forms T2632S.
Identifiers: ClinVar variation 1478299 (VCV001478299.4), dbSNP rs772597223, ClinGen allele CA3340109.